The following is an entry in ClinVar:

ClinVar aggregate classification (germline): Uncertain significance (1 of 4 stars; one submission).

Allele frequency attached by ClinVar (database versions not stated): gnomAD exomes below 0.00001.

Submission:

GeneDx
Classification: Uncertain significance. Last evaluated: 2022-07-22. Review status: criteria provided, single submitter. Criteria: GeneDx Variant Classification Process June 2021. Collection method: clinical testing. Allele origin: germline. Affected: yes.
Comment: In silico analysis supports that this missense variant has a deleterious effect on protein structure/function; Has not been previously published as pathogenic or benign to our knowledge

NM_001099922.3(ALG13):c.968C>T (p.Pro323Leu)

Gene: ALG13 (ALG13 UDP-N-acetylglucosaminyltransferase subunit; plus strand). Cytogenetic location: Xq23.
Variant type: single nucleotide variant.
Coding change: c.968C>T on transcript NM_001099922.3 (MANE Select); coding-DNA position 968, C replaced by T.
Protein change: p.Pro323Leu; replaces proline 323 with leucine.
Molecular consequence: missense variant. On other transcripts: non-coding transcript variant (1).
Genome position (GRCh38, 1-based): chrX:111,713,260, C>T. VCF-style: chrX-111713260-C-T. GRCh37 (hg19) VCF-style: chrX-110956488-C-T.
Other names: c.656C>T, p.Pro219Leu (NM_001257230.2, NM_001257234.2, NM_001257237.2 and 1 more transcripts); c.734C>T, p.Pro245Leu (NM_001257231.2); c.968C>T, p.Pro323Leu (NM_001324292.2); short protein forms P323L, P219L, P245L.
Identifiers: ClinVar variation 2136268 (VCV002136268.1), dbSNP rs1319060517, ClinGen allele CA414250535.
Genomic context (GRCh38, chrX:111,713,260, plus strand): 5'-ACTTACCTTTGTTTTCCCCATATAGTCGGGATTTCATTCTTTATCGCTTTCCTGGAAAAC[C>T]TCCAACTTATGTCACAGATAATGGCTATGAAGACAAGGTAAGAAGATGAGTGAATGTTGA-3'
Protein context (NP_001093392.1, residues 313-333): DFILYRFPGK[Pro323Leu]PTYVTDNGYE